The following is an entry in ClinVar:

NM_145199.3(LIPT1):c.140T>C (p.Val47Ala)

Genes: LIPT1 (lipoyltransferase 1; plus strand), MITD1 (microtubule interacting and trafficking domain containing 1; minus strand). Cytogenetic location: 2q11.2.
Variant type: single nucleotide variant.
Coding change: c.140T>C on transcript NM_145199.3 (MANE Select); coding-DNA position 140, T replaced by C.
Protein change: p.Val47Ala; replaces valine 47 with alanine.
Molecular consequence: missense variant. On other transcripts: non-coding transcript variant (2).
Genome position (GRCh38, 1-based): chr2:99,162,097, T>C. VCF-style: chr2-99162097-T-C. GRCh37 (hg19) VCF-style: chr2-99778560-T-C.
Other names: c.140T>C, p.Val47Ala (NM_001204830.2, NM_015929.4, NM_145197.3 and 1 more transcripts); short protein forms V47A.
Identifiers: ClinVar variation 2190959 (VCV002190959.4), dbSNP rs1294298171, ClinGen allele CA347851278.

ClinVar aggregate classification (germline): Uncertain significance (1 of 4 stars; one submission).

Allele frequency attached by ClinVar (database versions not stated): gnomAD exomes below 0.00001; gnomAD 0.00001; TOPMed 0.00001.
gnomAD v4.1: 5 of 1,614,064 alleles (0.00031%); highest among the groups gnomAD compares: Admixed American, 0.0067%; no homozygotes.

Submission:

Labcorp Genetics (formerly Invitae), Labcorp
Classification: Uncertain significance. Last evaluated: 2022-08-17. Review status: criteria provided, single submitter. Criteria: Invitae Variant Classification Sherloc (09022015). Collection method: clinical testing. Allele origin: germline.
Comment: This variant has not been reported in the literature in individuals affected with LIPT1-related conditions. This variant is not present in population databases (gnomAD no frequency). This sequence change replaces valine, which is neutral and non-polar, with alanine, which is neutral and non-polar, at codon 47 of the LIPT1 protein (p.Val47Ala). In summary, the available evidence is currently insufficient to determine the role of this variant in disease. Therefore, it has been classified as a Variant of Uncertain Significance. Algorithms developed to predict the effect of missense changes on protein structure and function (SIFT, PolyPhen-2, Align-GVGD) all suggest that this variant is likely to be tolerated.